The following is an entry in ClinVar:

ClinVar aggregate classification (germline): Uncertain significance. Review status: criteria provided, multiple submitters, no conflicts (2 of 4 stars). 2 submissions from 2 submitters: Uncertain significance (2). Last evaluated 2025-09-22.

Allele frequency attached by ClinVar (database versions not stated): gnomAD 0.00001; gnomAD exomes 0.00001; ExAC 0.00002; TOPMed 0.00004.
gnomAD v4.1: 29 of 1,612,770 alleles (0.0018%); highest among the groups gnomAD compares: Admixed American, 0.005%; no homozygotes.

Submissions (2):

Labcorp Genetics (formerly Invitae), Labcorp
Classification: Uncertain significance. Last evaluated: 2025-09-22. Review status: criteria provided, single submitter. Criteria: Invitae Variant Classification Sherloc (09022015). Collection method: clinical testing. Allele origin: germline.
Comment: This sequence change replaces methionine, which is neutral and non-polar, with valine, which is neutral and non-polar, at codon 260 of the CBX2 protein (p.Met260Val). This variant is present in population databases (rs782680508, gnomAD 0.006%). This variant has not been reported in the literature in individuals affected with CBX2-related conditions. ClinVar contains an entry for this variant (Variation ID: 2065230). Invitae Evidence Modeling of protein sequence and biophysical properties (such as structural, functional, and spatial information, amino acid conservation, physicochemical variation, residue mobility, and thermodynamic stability) indicates that this missense variant is not expected to disrupt CBX2 protein function with a negative predictive value of 80%. In summary, the available evidence is currently insufficient to determine the role of this variant in disease. Therefore, it has been classified as a Variant of Uncertain Significance.

Ambry Genetics
Classification: Uncertain significance. Last evaluated: 2022-08-26. Review status: criteria provided, single submitter. Criteria: Ambry Variant Classification Scheme 2023. Collection method: clinical testing. Allele origin: germline.

NM_005189.3(CBX2):c.778A>G (p.Met260Val)

Gene: CBX2 (chromobox 2; plus strand). Cytogenetic location: 17q25.3.
Variant type: single nucleotide variant.
Coding change: c.778A>G on transcript NM_005189.3 (MANE Select); coding-DNA position 778, A replaced by G.
Protein change: p.Met260Val; replaces methionine 260 with valine.
Molecular consequence: missense variant.
Genome position (GRCh38, 1-based): chr17:79,784,221, A>G. VCF-style: chr17-79784221-A-G. GRCh37 (hg19) VCF-style: chr17-77758020-A-G.
Other names: short protein forms M260V.
Identifiers: ClinVar variation 2065230 (VCV002065230.5), dbSNP rs782680508, ClinGen allele CA8811325.
Genomic context (GRCh38, chr17:79,784,221, plus strand): 5'-GGCATGGCCAGTAGCCCCGGCCGGGGTGGCATCAGCTGGCAGAGCTCCATCGTGCACTAC[A>G]TGAACCGGATGACCCAGAGCCAGGCCCAGGCTGCCAGCAGGTTGGCGCTGAAGGCCCAGG-3'
Protein context (NP_005180.1, residues 250-270): ISWQSSIVHY[Met260Val]NRMTQSQAQA